The following is an entry in ClinVar:

ClinVar aggregate classification (germline): Likely benign. Review status: criteria provided, multiple submitters, no conflicts (2 of 4 stars). 2 submissions from 2 submitters: Likely benign (2). Last evaluated 2026-08-24.

Conditions:
SPG11-related disorder. Also called: SPG11-related condition.
Hereditary spastic paraplegia 11. Also called: Spastic paraplegia, mental retardation and thin corpus callosum; Spastic Paraplegia 11; SPASTIC PARAPLEGIA, AUTOSOMAL RECESSIVE, COMPLICATED, WITH THIN CORPUS CALLOSUM; SPASTIC PARAPLEGIA, AUTOSOMAL RECESSIVE, WITH MENTAL IMPAIRMENT AND THIN CORPUS CALLOSUM; Nakamura Osame syndrome; Autosomal recessive hereditary spastic paraplegia, mental impairment, and thin corpus callosum. Identifiers: Orphanet 2822, MedGen C1858479, MONDO:0011445, OMIM 604360.

Allele frequency attached by ClinVar (database versions not stated): TOPMed 0.00002; gnomAD 0.00003.

Submissions (2):

PreventionGenetics, part of Exact Sciences
Classification: Likely benign for SPG11-related condition. Last evaluated: 2026-08-24. Review status: criteria provided, single submitter. Criteria: ACMG Guidelines, 2015. Collection method: clinical testing. Allele origin: germline.
Comment: This variant is classified as likely benign based on ACMG/AMP sequence variant interpretation guidelines (Richards et al. 2015 PMID: 25741868, with internal and published modifications).

Labcorp Genetics (formerly Invitae), Labcorp
Classification: Likely benign for Hereditary spastic paraplegia 11. Last evaluated: 2026-01-04. Review status: criteria provided, single submitter. Criteria: Invitae Variant Classification Sherloc (09022015). Collection method: clinical testing. Allele origin: germline.

NM_025137.4(SPG11):c.171G>C (p.Leu57=)

Gene: SPG11 (SPG11 vesicle trafficking associated, spatacsin; minus strand). Cytogenetic location: 15q21.1.
Variant type: single nucleotide variant.
Coding change: c.171G>C on transcript NM_025137.4 (MANE Select); coding-DNA position 171, G replaced by C.
Protein change: p.Leu57=; no amino-acid change (leucine 57 retained).
Molecular consequence: synonymous variant.
Genome position (GRCh38, 1-based): chr15:44,663,477, C>G on the plus strand (G>C on the coding strand, the complement: SPG11 is on the minus strand). VCF-style: chr15-44663477-C-G. GRCh37 (hg19) VCF-style: chr15-44955675-C-G.
Other names: c.171G>C, p.Leu57= (NM_001160227.2).
Identifiers: ClinVar variation 702220 (VCV000702220.11), dbSNP rs752630233, ClinGen allele CA7535935.